The following is an entry in ClinVar:

NM_003482.4(KMT2D):c.11442C>T (p.His3814=)

Gene: KMT2D (lysine methyltransferase 2D; minus strand). Cytogenetic location: 12q13.12.
Variant type: single nucleotide variant.
Coding change: c.11442C>T on transcript NM_003482.4 (MANE Select); coding-DNA position 11442, C replaced by T.
Protein change: p.His3814=; no amino-acid change (histidine 3814 retained).
Molecular consequence: synonymous variant.
Genome position (GRCh38, 1-based): chr12:49,033,263, G>A on the plus strand (C>T on the coding strand, the complement: KMT2D is on the minus strand). VCF-style: chr12-49033263-G-A. GRCh37 (hg19) VCF-style: chr12-49427046-G-A.
Other names: c.11442C>T (NM_003482.3).
Identifiers: ClinVar variation 1553080 (VCV001553080.15), dbSNP rs201089404, ClinGen allele CA236640039.

ClinVar aggregate classification (germline): Likely benign. Review status: criteria provided, multiple submitters, no conflicts (2 of 4 stars). 3 submissions from 3 submitters: Likely benign (2). 1 of the submissions does not count toward it. Last evaluated 2025-11-01.

Conditions:
KMT2D-related disorder. Also called: KMT2D-Related Disorders.
Kabuki syndrome. Also called: Kabuki make-up syndrome; NIIKAWA-KUROKI SYNDROME. Identifiers: Orphanet 2322, MedGen C0796004, MONDO:0016512.

Allele frequency attached by ClinVar (database versions not stated): gnomAD 0.00001 and 0.00002; gnomAD exomes 0.00001; TOPMed 0.00001; 1000 Genomes Project 0.00040; 1000 Genomes Project 30x 0.00047.

Submissions (3):

CeGaT Center for Human Genetics Tuebingen
Classification: Likely benign. Last evaluated: 2025-11-01. Review status: criteria provided, single submitter. Criteria: CeGaT Center For Human Genetics Tuebingen Variant Classification Criteria Version 2. Collection method: clinical testing. Allele origin: germline. Affected: yes. Observed: 1 variant allele.
Comment: KMT2D: BP4, BP7

Labcorp Genetics (formerly Invitae), Labcorp
Classification: Likely benign for Kabuki syndrome. Last evaluated: 2025-01-08. Review status: criteria provided, single submitter. Criteria: Invitae Variant Classification Sherloc (09022015). Collection method: clinical testing. Allele origin: germline.

PreventionGenetics, part of Exact Sciences
Classification: Likely benign for KMT2D-related condition. Last evaluated: 2021-07-12. Review status: no assertion criteria provided. Collection method: clinical testing. Allele origin: germline. Not counted in ClinVar's aggregate classification.
Comment: This variant is classified as likely benign based on ACMG/AMP sequence variant interpretation guidelines (Richards et al. 2015 PMID: 25741868, with internal and published modifications).